The following is an entry in ClinVar:

NM_000051.4(ATM):c.6805C>G (p.Gln2269Glu)

Genes: ATM (ATM serine/threonine kinase; plus strand), C11orf65 (chromosome 11 open reading frame 65; minus strand). Cytogenetic location: 11q22.3.
Variant type: single nucleotide variant.
Coding change: c.6805C>G on transcript NM_000051.4 (MANE Select); coding-DNA position 6805, C replaced by G.
Protein change: p.Gln2269Glu; replaces glutamine 2269 with glutamic acid.
Molecular consequence: missense variant. On other transcripts: intron variant (2).
Genome position (GRCh38, 1-based): chr11:108,325,542, C>G. VCF-style: chr11-108325542-C-G. GRCh37 (hg19) VCF-style: chr11-108196269-C-G.
Other names: c.6805C>G, p.Gln2269Glu (NM_001351834.2); c.641-16471G>C (NM_001330368.2); c.*38+9678G>C (NM_001351110.2); short protein forms Q2269E.
Identifiers: ClinVar variation 921929 (VCV000921929.14), dbSNP rs2085584895, ClinGen allele CA382555611.
Genomic context (GRCh38, chr11:108,325,542, plus strand): 5'-GACATTCTCACCAAACACCTTGTAGAACTCTCTATACTGGCCAGAACTTTCAAGAACACT[C>G]AGGTAAATACAATTTAAAACTATGTCATCTTACCTCTTGACTTTCCTTTTATTATTTAAA-3'
Protein context (NP_000042.3, residues 2259-2279): SILARTFKNT[Gln2269Glu]LPERAIFQIK

ClinVar aggregate classification (germline): Uncertain significance. Review status: criteria provided, multiple submitters, no conflicts (2 of 4 stars). 4 submissions from 4 submitters: Uncertain significance (4). Last evaluated 2024-11-06.

Conditions:
Hereditary cancer-predisposing syndrome. Also called: Tumor predisposition; Neoplastic Syndromes, Hereditary; Hereditary neoplastic syndrome; Hereditary Cancer Syndrome. Identifiers: Orphanet 140162, MedGen C0027672, MeSH D009386, MONDO:0015356.
Familial cancer of breast. Also called: Hereditary breast cancer; hereditary breast carcinoma; BREAST CANCER, FAMILIAL. Identifiers: Orphanet 227535, MedGen C0346153, MONDO:0016419, OMIM 114480. Disease mechanism: loss of function.
Ataxia-telangiectasia syndrome (AT). Also called: Ataxia-telangiectasia, complementation group D; AT, COMPLEMENTATION GROUP C; ATAXIA-TELANGIECTASIA, COMPLEMENTATION GROUP A; ATAXIA-TELANGIECTASIA, FRESNO VARIANT; Ataxia-telangiectasia; Ataxia telangiectasia (A-T). Identifiers: Orphanet 100, MedGen C0004135, MONDO:0008840, OMIM 208900.

Submissions (4):

Ambry Genetics
Classification: Uncertain significance for Hereditary cancer-predisposing syndrome. Last evaluated: 2024-11-06. Review status: criteria provided, single submitter. Criteria: Ambry Variant Classification Scheme 2023. Collection method: clinical testing. Allele origin: germline.
Comment: The p.Q2269E variant (also known as c.6805C>G), located in coding exon 45 of the ATM gene, results from a C to G substitution at nucleotide position 6805. The glutamine at codon 2269 is replaced by glutamic acid, an amino acid with highly similar properties. This amino acid position is highly conserved in available vertebrate species. In addition, the in silico prediction for this alteration is inconclusive. Based on the available evidence, the clinical significance of this variant remains unclear.

Labcorp Genetics (formerly Invitae), Labcorp
Classification: Uncertain significance for Ataxia-telangiectasia syndrome. Last evaluated: 2024-10-12. Review status: criteria provided, single submitter. Criteria: Invitae Variant Classification Sherloc (09022015). Collection method: clinical testing. Allele origin: germline.
Comment: This sequence change replaces glutamine, which is neutral and polar, with glutamic acid, which is acidic and polar, at codon 2269 of the ATM protein (p.Gln2269Glu). This variant is not present in population databases (gnomAD no frequency). This variant has not been reported in the literature in individuals affected with ATM-related conditions. ClinVar contains an entry for this variant (Variation ID: 921929). An algorithm developed to predict the effect of missense changes on protein structure and function (PolyPhen-2) suggests that this variant is likely to be disruptive. In summary, the available evidence is currently insufficient to determine the role of this variant in disease. Therefore, it has been classified as a Variant of Uncertain Significance.

Baylor Genetics
Classification: Uncertain significance for Familial cancer of breast. Last evaluated: 2023-08-09. Review status: criteria provided, single submitter. Criteria: ACMG Guidelines, 2015. Collection method: clinical testing. Allele origin: unknown.

Color Diagnostics, LLC DBA Color Health
Classification: Uncertain significance for Hereditary cancer-predisposing syndrome. Last evaluated: 2022-09-08. Review status: criteria provided, single submitter. Criteria: ACMG Guidelines, 2015. Collection method: clinical testing. Allele origin: germline.
Comment: This missense variant replaces glutamine with glutamic acid at codon 2269 of the ATM protein. Computational prediction suggests that this variant may not impact protein structure and function (internally defined REVEL score threshold <= 0.5, PMID: 27666373). To our knowledge, functional studies have not been reported for this variant. This variant has not been reported in individuals affected with hereditary cancer in the literature. This variant has not been identified in the general population by the Genome Aggregation Database (gnomAD). The available evidence is insufficient to determine the role of this variant in disease conclusively. Therefore, this variant is classified as a Variant of Uncertain Significance.